The following is an entry in ClinVar:

NM_015443.4(KANSL1):c.2128C>A (p.Pro710Thr)

Gene: KANSL1 (KAT8 regulatory NSL complex subunit 1). Cytogenetic location: 17q21.31.
Variant type: single nucleotide variant.
Coding change: c.2128C>A on transcript NM_015443.4 (MANE Select); coding-DNA position 2128, C replaced by A.
Protein change: p.Pro710Thr; replaces proline 710 with threonine.
Molecular consequence: missense variant.
Genome position (GRCh38, 1-based): chr17:46,039,777, G>T on the plus strand (C>A on the coding strand, the complement: KANSL1 is on the minus strand). VCF-style: chr17-46039777-G-T. GRCh37 (hg19) VCF-style: chr17-44117143-G-T.
Other names: c.2128C>A, p.Pro710Thr (NM_001193465.2, NM_001193466.2, NM_001379198.1); short protein forms P710T.
Identifiers: ClinVar variation 2191842 (VCV002191842.5), dbSNP rs550137256, ClinGen allele CA8618652.

ClinVar aggregate classification (germline): Conflicting classifications of pathogenicity. Review status: criteria provided, conflicting classifications (1 of 4 stars). 2 submissions from 2 submitters: Uncertain significance (1); Likely benign (1). Last evaluated 2025-03-31.

Conditions:
Inborn genetic diseases. Identifiers: MedGen C0950123, MeSH D030342.
Koolen-de Vries syndrome (KDVS). Identifiers: Orphanet 96169, MedGen C1864871, MONDO:0012496, OMIM 610443.

Allele frequency attached by ClinVar (database versions not stated): gnomAD exomes 0.00002 and 0.00006; ExAC 0.00008; 1000 Genomes Project 0.00020; 1000 Genomes Project 30x 0.00031.
gnomAD v4.1: 39 of 1,614,198 alleles (0.0024%); highest among the groups gnomAD compares: South Asian, 0.043%; no homozygotes.

Submissions (2):

Labcorp Genetics (formerly Invitae), Labcorp
Classification: Uncertain significance for Koolen-de Vries syndrome. Last evaluated: 2025-03-31. Review status: criteria provided, single submitter. Criteria: Invitae Variant Classification Sherloc (09022015). Collection method: clinical testing. Allele origin: germline.
Comment: This sequence change replaces proline, which is neutral and non-polar, with threonine, which is neutral and polar, at codon 710 of the KANSL1 protein (p.Pro710Thr). This variant is present in population databases (rs550137256, gnomAD 0.05%), and has an allele count higher than expected for a pathogenic variant. This variant has not been reported in the literature in individuals affected with KANSL1-related conditions. ClinVar contains an entry for this variant (Variation ID: 2191842). Invitae Evidence Modeling of protein sequence and biophysical properties (such as structural, functional, and spatial information, amino acid conservation, physicochemical variation, residue mobility, and thermodynamic stability) indicates that this missense variant is not expected to disrupt KANSL1 protein function with a negative predictive value of 80%. In summary, the available evidence is currently insufficient to determine the role of this variant in disease. Therefore, it has been classified as a Variant of Uncertain Significance.

Ambry Genetics
Classification: Likely benign for Inborn genetic diseases. Last evaluated: 2024-01-30. Review status: criteria provided, single submitter. Criteria: Ambry Variant Classification Scheme 2023. Collection method: clinical testing. Allele origin: germline.